The following is an entry in ClinVar:

ClinVar aggregate classification (germline): Pathogenic (1 of 4 stars; one submission).

Submission:

Labcorp Genetics (formerly Invitae), Labcorp
Classification: Pathogenic. Last evaluated: 2024-02-15. Review status: criteria provided, single submitter. Criteria: Invitae Variant Classification Sherloc (09022015). Collection method: clinical testing. Allele origin: germline.
Comment: This sequence change creates a premature translational stop signal (p.Glu648*) in the ERCC2 gene. It is expected to result in an absent or disrupted protein product. Loss-of-function variants in ERCC2 are known to be pathogenic (PMID: 9238033, 11335038, 19085937, 19934020). This variant is not present in population databases (gnomAD no frequency). This variant has not been reported in the literature in individuals affected with ERCC2-related conditions. For these reasons, this variant has been classified as Pathogenic.

Literature cited by the submitters: PubMed 9238033; PubMed 11335038; PubMed 19085937; PubMed 19934020.

NM_000400.4(ERCC2):c.1942G>T (p.Glu648Ter)

Gene: ERCC2 (ERCC excision repair 2, TFIIH core complex helicase subunit; minus strand). Cytogenetic location: 19q13.32.
Variant type: single nucleotide variant.
Coding change: c.1942G>T on transcript NM_000400.4 (MANE Select); coding-DNA position 1942, G replaced by T.
Protein change: p.Glu648Ter; replaces glutamic acid 648 with a stop codon.
Molecular consequence: nonsense.
Genome position (GRCh38, 1-based): chr19:45,352,610, C>A on the plus strand (G>T on the coding strand, the complement: ERCC2 is on the minus strand). VCF-style: chr19-45352610-C-A. GRCh37 (hg19) VCF-style: chr19-45855868-C-A.
Other names: short protein forms E648*.
Identifiers: ClinVar variation 2707253 (VCV002707253.3), dbSNP rs778469146, ClinGen allele CA406363398.
Genomic context (GRCh38, chr19:45,352,610, plus strand): 5'-TGGCCCGACCCACACACTGGGCCGCGTGGCGCATGGCATCGAAGGTAAGAAAGTCATTCT[C>A]ACGAATCTGGAACTGGTCCCGCAGGTATTCCAGCCGCGCCTGCAGATACGGAGGATGAGA-3'